The following is an entry in ClinVar:

NM_005732.4(RAD50):c.1777A>G (p.Arg593Gly)

Gene: RAD50 (RAD50 double strand break repair protein; plus strand). Cytogenetic location: 5q31.1.
Variant type: single nucleotide variant.
Coding change: c.1777A>G on transcript NM_005732.4 (MANE Select); coding-DNA position 1777, A replaced by G.
Protein change: p.Arg593Gly; replaces arginine 593 with glycine.
Molecular consequence: missense variant.
Genome position (GRCh38, 1-based): chr5:132,592,018, A>G. VCF-style: chr5-132592018-A-G. GRCh37 (hg19) VCF-style: chr5-131927710-A-G.
Other names: short protein forms R593G.
Identifiers: ClinVar variation 3786311 (VCV003786311.1).

ClinVar aggregate classification (germline): Uncertain significance (1 of 4 stars; one submission).

Conditions:
Hereditary cancer-predisposing syndrome. Also called: Neoplastic Syndromes, Hereditary; Hereditary Cancer Syndrome; Tumor predisposition; Hereditary neoplastic syndrome. Identifiers: Orphanet 140162, MedGen C0027672, MeSH D009386, MONDO:0015356.

Submission:

Ambry Genetics
Classification: Uncertain significance for Hereditary cancer-predisposing syndrome. Last evaluated: 2025-02-06. Review status: criteria provided, single submitter. Criteria: Ambry Variant Classification Scheme 2023. Collection method: clinical testing. Allele origin: germline.
Comment: The p.R593G variant (also known as c.1777A>G), located in coding exon 11 of the RAD50 gene, results from an A to G substitution at nucleotide position 1777. The arginine at codon 593 is replaced by glycine, an amino acid with dissimilar properties. This amino acid position is conserved. In addition, this alteration is predicted to be tolerated by in silico analysis. Based on the available evidence, the clinical significance of this variant remains unclear.